The following is an entry in ClinVar:

NM_004859.4(CLTC):c.3792A>G (p.Lys1264=)

Gene: CLTC (clathrin heavy chain; plus strand). Cytogenetic location: 17q23.1.
Variant type: single nucleotide variant.
Coding change: c.3792A>G on transcript NM_004859.4 (MANE Select); coding-DNA position 3792, A replaced by G.
Protein change: p.Lys1264=; no amino-acid change (lysine 1264 retained).
Molecular consequence: synonymous variant.
Genome position (GRCh38, 1-based): chr17:59,682,933, A>G. VCF-style: chr17-59682933-A-G. GRCh37 (hg19) VCF-style: chr17-57760294-A-G.
Other names: c.3804A>G, p.Lys1268= (NM_001288653.2).
Identifiers: ClinVar variation 1579745 (VCV001579745.10), dbSNP rs1164560328, ClinGen allele CA501330868.

ClinVar aggregate classification (germline): Likely benign. Review status: criteria provided, multiple submitters, no conflicts (2 of 4 stars). 2 submissions from 2 submitters: Likely benign (2). Last evaluated 2026-06-01.

Allele frequency attached by ClinVar (database versions not stated): gnomAD exomes below 0.00001.
gnomAD v4.1: 2 of 1,612,750 alleles (0.00012%); highest among the groups gnomAD compares: Admixed American, 0.0033%; no homozygotes.

Submissions (2):

CeGaT Center for Human Genetics Tuebingen
Classification: Likely benign. Last evaluated: 2026-06-01. Review status: criteria provided, single submitter. Criteria: CeGaT Center For Human Genetics Tuebingen Variant Classification Criteria Version 2. Collection method: clinical testing. Allele origin: germline. Affected: yes. Observed: 1 variant allele.
Comment: CLTC: BP4, BP7

Labcorp Genetics (formerly Invitae), Labcorp
Classification: Likely benign. Last evaluated: 2023-05-22. Review status: criteria provided, single submitter. Criteria: Invitae Variant Classification Sherloc (09022015). Collection method: clinical testing. Allele origin: germline.